The following is an entry in ClinVar:

ClinVar aggregate classification (germline): Pathogenic (1 of 4 stars; one submission).

Conditions:
Joubert syndrome. Also called: CEREBELLOPARENCHYMAL DISORDER IV; JOUBERT-BOLTSHAUSER SYNDROME; Familial aplasia of the vermis. Identifiers: Orphanet 475, MedGen C5979921, MONDO:0018772.
Nephronophthisis. Also called: Juvenile Nephronophthisis. Identifiers: Orphanet 655, MedGen C0687120, MONDO:0019005, HP:0000090.
Meckel-Gruber syndrome. Also called: DYSENCEPHALIA SPLANCHNOCYSTICA; GRUBER SYNDROME; Dysencephalia splachnocystica. Identifiers: Orphanet 564, MedGen C0265215, MONDO:0018921.

Allele frequency attached by ClinVar (database versions not stated): gnomAD exomes below 0.00001.
gnomAD v4.1: 1 of 1,533,934 alleles (0.000065%); highest among the groups gnomAD compares: Non-Finnish European, 0.000088%; no homozygotes.

Submission:

Labcorp Genetics (formerly Invitae), Labcorp
Classification: Pathogenic for Joubert syndrome; Meckel-Gruber syndrome; Nephronophthisis. Last evaluated: 2020-11-02. Review status: criteria provided, single submitter. Criteria: Invitae Variant Classification Sherloc (09022015). Collection method: clinical testing. Allele origin: germline.
Comment: For these reasons, this variant has been classified as Pathogenic. This variant has not been reported in the literature in individuals with CEP290-related conditions. This variant is not present in population databases (ExAC no frequency). This sequence change creates a premature translational stop signal (p.Glu2281*) in the CEP290 gene. It is expected to result in an absent or disrupted protein product. Loss-of-function variants in CEP290 are known to be pathogenic (PMID: 16909394, 17345604, 20690115, 25377065, 28559085).

Literature cited by the submitters: PubMed 16909394; PubMed 17345604; PubMed 20690115; PubMed 25377065; PubMed 28559085.

NM_025114.4(CEP290):c.6841G>T (p.Glu2281Ter)

Gene: CEP290 (centrosomal protein 290; minus strand). Cytogenetic location: 12q21.32.
Variant type: single nucleotide variant.
Coding change: c.6841G>T on transcript NM_025114.4 (MANE Select); coding-DNA position 6841, G replaced by T.
Protein change: p.Glu2281Ter; replaces glutamic acid 2281 with a stop codon.
Molecular consequence: nonsense.
Genome position (GRCh38, 1-based): chr12:88,055,695, C>A on the plus strand (G>T on the coding strand, the complement: CEP290 is on the minus strand). VCF-style: chr12-88055695-C-A. GRCh37 (hg19) VCF-style: chr12-88449472-C-A.
Other names: short protein forms E2281*.
Identifiers: ClinVar variation 1413904 (VCV001413904.6), dbSNP rs2136656497, ClinGen allele CA385976647.